The following is an entry in ClinVar:

ClinVar aggregate classification (germline): Uncertain significance. Review status: criteria provided, multiple submitters, no conflicts (2 of 4 stars). 2 submissions from 2 submitters: Uncertain significance (2). Last evaluated 2022-11-09.

Conditions:
Inborn genetic diseases. Identifiers: MedGen C0950123, MeSH D030342.

Allele frequency attached by ClinVar (database versions not stated): gnomAD exomes 0.00001; TOPMed 0.00001; ExAC 0.00002; gnomAD 0.00002.
gnomAD v4.1: 25 of 1,613,952 alleles (0.0015%); highest among the groups gnomAD compares: Non-Finnish European, 0.0018%; no homozygotes.

Submissions (2):

Ambry Genetics
Classification: Uncertain significance for Inborn genetic diseases. Last evaluated: 2022-11-09. Review status: criteria provided, single submitter. Criteria: Ambry Variant Classification Scheme 2023. Collection method: clinical testing. Allele origin: germline.

Labcorp Genetics (formerly Invitae), Labcorp
Classification: Uncertain significance. Last evaluated: 2022-05-27. Review status: criteria provided, single submitter. Criteria: Invitae Variant Classification Sherloc (09022015). Collection method: clinical testing. Allele origin: germline.
Comment: This variant is present in population databases (rs747609704, gnomAD 0.004%). This variant has not been reported in the literature in individuals affected with DNAH9-related conditions. Algorithms developed to predict the effect of missense changes on protein structure and function (SIFT, PolyPhen-2, Align-GVGD) all suggest that this variant is likely to be tolerated. In summary, the available evidence is currently insufficient to determine the role of this variant in disease. Therefore, it has been classified as a Variant of Uncertain Significance. This sequence change replaces histidine, which is basic and polar, with aspartic acid, which is acidic and polar, at codon 2372 of the DNAH9 protein (p.His2372Asp).

NM_001372.4(DNAH9):c.7114C>G (p.His2372Asp)

Gene: DNAH9 (dynein axonemal heavy chain 9; plus strand). Cytogenetic location: 17p12.
Variant type: single nucleotide variant.
Coding change: c.7114C>G on transcript NM_001372.4 (MANE Select); coding-DNA position 7114, C replaced by G.
Protein change: p.His2372Asp; replaces histidine 2372 with aspartic acid.
Molecular consequence: missense variant.
Genome position (GRCh38, 1-based): chr17:11,763,558, C>G. VCF-style: chr17-11763558-C-G. GRCh37 (hg19) VCF-style: chr17-11666875-C-G.
Other names: short protein forms H2372D.
Identifiers: ClinVar variation 1927265 (VCV001927265.4), dbSNP rs747609704, ClinGen allele CA8396517.
Genomic context (GRCh38, chr17:11,763,558, plus strand): 5'-CTGGAATGTCTCCTGACCACGGAGGACATCCCTGCAGACTGCCCTAAGGAAATTTATGAG[C>G]ATTATTTTGTGTTTGCTGCCATCTGGGCTTTCGGCGGAGCAATGGTCCAAGATCAGGTAA-3'
Protein context (NP_001363.2, residues 2362-2382): PADCPKEIYE[His2372Asp]YFVFAAIWAF